The following is an entry in ClinVar:

NM_001330078.2(NRXN1):c.804G>C (p.Leu268=)

Gene: NRXN1 (neurexin 1; minus strand). Cytogenetic location: 2p16.3.
Variant type: single nucleotide variant.
Coding change: c.804G>C on transcript NM_001330078.2 (MANE Select); coding-DNA position 804, G replaced by C.
Protein change: p.Leu268=; no amino-acid change (leucine 268 retained).
Molecular consequence: synonymous variant. On other transcripts: intron variant (4).
Genome position (GRCh38, 1-based): chr2:50,922,674, C>G on the plus strand (G>C on the coding strand, the complement: NRXN1 is on the minus strand). VCF-style: chr2-50922674-C-G. GRCh37 (hg19) VCF-style: chr2-51149812-C-G.
Other names: c.903G>C, p.Leu301= (NM_001135659.3); c.804G>C, p.Leu268= (NM_001330077.2, NM_001330081.2, NM_001330082.2 and 6 more transcripts); c.801G>C, p.Leu267= (NM_001330079.2, NM_001330093.2); c.786G>C, p.Leu262= (NM_001330088.2, NM_001330089.2); c.772+104828G>C (NM_001330096.2, NM_001330087.2, NM_001330083.2 and 1 more transcripts).
Identifiers: ClinVar variation 539887 (VCV000539887.12), dbSNP rs1553364040, ClinGen allele CA426106032.

ClinVar aggregate classification (germline): Likely benign. Review status: criteria provided, multiple submitters, no conflicts (2 of 4 stars). 2 submissions from 2 submitters: Likely benign (2). Last evaluated 2024-05-24.

Conditions:
Pitt-Hopkins-like syndrome 2 (PTHSL2). Identifiers: Orphanet 221150, Orphanet 600663, MedGen C3280479, MONDO:0013690, OMIM 614325.

Allele frequency attached by ClinVar (database versions not stated): gnomAD exomes below 0.00001; TOPMed 0.00001.
gnomAD v4.1: 3 of 1,610,460 alleles (0.00019%); highest among the groups gnomAD compares: Admixed American, 0.0034%; no homozygotes.

Submissions (2):

Labcorp Genetics (formerly Invitae), Labcorp
Classification: Likely benign for Pitt-Hopkins-like syndrome 2. Last evaluated: 2024-05-24. Review status: criteria provided, single submitter. Criteria: Invitae Variant Classification Sherloc (09022015). Collection method: clinical testing. Allele origin: germline.

GeneDx
Classification: Likely benign. Last evaluated: 2018-06-14. Review status: criteria provided, single submitter. Criteria: GeneDx Variant Classification (06012015). Collection method: clinical testing. Allele origin: germline. Affected: yes.
Comment: This variant is considered likely benign or benign based on one or more of the following criteria: it is a conservative change, it occurs at a poorly conserved position in the protein, it is predicted to be benign by multiple in silico algorithms, and/or has population frequency not consistent with disease.